The following is an entry in ClinVar:

NM_000535.7(PMS2):c.828C>A (p.Cys276Ter)

Gene: PMS2 (PMS1 homolog 2, mismatch repair system component; minus strand). Cytogenetic location: 7p22.1.
Variant type: single nucleotide variant.
Coding change: c.828C>A on transcript NM_000535.7 (MANE Select); coding-DNA position 828, C replaced by A.
Protein change: p.Cys276Ter; replaces cysteine 276 with a stop codon.
Molecular consequence: nonsense. On other transcripts: 5 prime UTR variant (2), non-coding transcript variant (1).
Genome position (GRCh38, 1-based): chr7:5,995,609, G>T on the plus strand (C>A on the coding strand, the complement: PMS2 is on the minus strand). VCF-style: chr7-5995609-G-T. GRCh37 (hg19) VCF-style: chr7-6035240-G-T.
Other names: c.423C>A, p.Cys141Ter (NM_001322003.2, NM_001322004.2, NM_001322005.2 and 2 more transcripts); c.828C>A, p.Cys276Ter (NM_001322006.2, NM_001322014.2); c.510C>A, p.Cys170Ter (NM_001322007.2, NM_001322008.2); c.-106C>A (NM_001322011.2, NM_001322012.2); c.255C>A, p.Cys85Ter (NM_001322013.2); c.519C>A, p.Cys173Ter (NM_001322015.2); short protein forms C276*, C141*, C173*, C85*, C170*.
Identifiers: ClinVar variation 421403 (VCV000421403.13), dbSNP rs757324104, ClinGen allele CA16618521.

ClinVar aggregate classification (germline): Pathogenic. Review status: criteria provided, multiple submitters, no conflicts (2 of 4 stars). 4 submissions from 4 submitters: Pathogenic (4). Last evaluated 2026-01-11.

Conditions:
Hereditary nonpolyposis colorectal neoplasms. Identifiers: MedGen C0009405, MeSH D003123.
Hereditary cancer-predisposing syndrome. Also called: Hereditary neoplastic syndrome; Tumor predisposition; Neoplastic Syndromes, Hereditary; Hereditary Cancer Syndrome. Identifiers: Orphanet 140162, MedGen C0027672, MeSH D009386, MONDO:0015356.
Lynch syndrome 4 (LYNCH4). Also called: Hereditary non-polyposis colorectal cancer, type 4; Colorectal cancer, hereditary nonpolyposis, type 4. Identifiers: Orphanet 144, MedGen C1838333, MONDO:0013699, OMIM 614337. Disease mechanism: loss of function.

Submissions (4):

Labcorp Genetics (formerly Invitae), Labcorp
Classification: Pathogenic for Hereditary nonpolyposis colorectal neoplasms. Last evaluated: 2026-01-11. Review status: criteria provided, single submitter. Criteria: Invitae Variant Classification Sherloc (09022015). Collection method: clinical testing. Allele origin: germline.
Comment: This sequence change creates a premature translational stop signal (p.Cys276*) in the PMS2 gene. It is expected to result in an absent or disrupted protein product. Loss-of-function variants in PMS2 are known to be pathogenic (PMID: 21376568, 24362816). This variant is not present in population databases (gnomAD no frequency). This variant has not been reported in the literature in individuals affected with PMS2-related conditions. ClinVar contains an entry for this variant (Variation ID: 421403). For these reasons, this variant has been classified as Pathogenic.

GeneDx
Classification: Pathogenic. Last evaluated: 2024-07-17. Review status: criteria provided, single submitter. Criteria: GeneDx Variant Classification Process June 2021. Collection method: clinical testing. Allele origin: germline. Affected: yes.
Comment: Nonsense variant predicted to result in protein truncation or nonsense mediated decay in a gene for which loss of function is a known mechanism of disease; Not observed at significant frequency in large population cohorts (gnomAD); Truncating variants in this gene are considered pathogenic by a well-established clinical consortium and/or database; Has not been previously published as pathogenic or benign to our knowledge

Myriad Genetics, Inc.
Classification: Pathogenic for Lynch syndrome 4. Last evaluated: 2023-09-19. Review status: criteria provided, single submitter. Criteria: Myriad Autosomal Dominant, Autosomal Recessive and X-Linked Classification Criteria (2023). Collection method: clinical testing. Allele origin: unknown.
Comment: This variant is considered pathogenic. This variant creates a termination codon and is predicted to result in premature protein truncation.

Ambry Genetics
Classification: Pathogenic for Hereditary cancer-predisposing syndrome. Last evaluated: 2022-10-06. Review status: criteria provided, single submitter. Criteria: Ambry Variant Classification Scheme 2023. Collection method: clinical testing. Allele origin: germline.
Comment: The p.C276* pathogenic mutation (also known as c.828C>A), located in coding exon 8 of the PMS2 gene, results from a C to A substitution at nucleotide position 828. This changes the amino acid from a cysteine to a stop codon within coding exon 8. This variant is considered to be rare based on population cohorts in the Genome Aggregation Database (gnomAD). This alteration is expected to result in loss of function by premature protein truncation or nonsense-mediated mRNA decay. As such, this alteration is interpreted as a disease-causing mutation.

Literature cited by the submitters: PubMed 21376568 (cited by Labcorp Genetics (formerly Invitae), Labcorp); PubMed 24362816 (cited by Labcorp Genetics (formerly Invitae), Labcorp).